The following is an entry in ClinVar:

ClinVar aggregate classification (germline): Uncertain significance (1 of 4 stars; one submission).

Conditions:
Long QT syndrome (LQTS). Identifiers: MedGen C0023976, MeSH D008133, MONDO:0002442. Disease mechanism: loss of function. Inheritance: Various modes of inheritance.

Submission:

Labcorp Genetics (formerly Invitae), Labcorp
Classification: Uncertain significance for Long QT syndrome. Last evaluated: 2024-09-24. Review status: criteria provided, single submitter. Criteria: Invitae Variant Classification Sherloc (09022015). Collection method: clinical testing. Allele origin: germline.
Comment: This sequence change replaces leucine, which is neutral and non-polar, with arginine, which is basic and polar, at codon 3262 of the AKAP9 protein (p.Leu3262Arg). This variant is not present in population databases (gnomAD no frequency). This variant has not been reported in the literature in individuals affected with AKAP9-related conditions. An algorithm developed to predict the effect of missense changes on protein structure and function (PolyPhen-2) suggests that this variant is likely to be disruptive. In summary, the available evidence is currently insufficient to determine the role of this variant in disease. Therefore, it has been classified as a Variant of Uncertain Significance.

NM_005751.5(AKAP9):c.9785T>G (p.Leu3262Arg)

Gene: AKAP9 (A-kinase anchoring protein 9; plus strand). Cytogenetic location: 7q21.2.
Variant type: single nucleotide variant.
Coding change: c.9785T>G on transcript NM_005751.5 (MANE Select); coding-DNA position 9785, T replaced by G.
Protein change: p.Leu3262Arg; replaces leucine 3262 with arginine.
Molecular consequence: missense variant.
Genome position (GRCh38, 1-based): chr7:92,096,744, T>G. VCF-style: chr7-92096744-T-G. GRCh37 (hg19) VCF-style: chr7-91726058-T-G.
Other names: c.9761T>G, p.Leu3254Arg (NM_147185.3); c.4430T>G, p.Leu1477Arg (NM_001379277.1); short protein forms L1477R, L3254R, L3262R.
Identifiers: ClinVar variation 3604603 (VCV003604603.2).